The following is an entry in ClinVar:

NM_018486.3(HDAC8):c.467A>G (p.Asn156Ser)

Gene: HDAC8 (histone deacetylase 8; minus strand). Cytogenetic location: Xq13.1.
Variant type: single nucleotide variant.
Coding change: c.467A>G on transcript NM_018486.3 (MANE Select); coding-DNA position 467, A replaced by G.
Protein change: p.Asn156Ser; replaces asparagine 156 with serine.
Molecular consequence: missense variant. On other transcripts: non-coding transcript variant (1).
Genome position (GRCh38, 1-based): chrX:72,495,239, T>C on the plus strand (A>G on the coding strand, the complement: HDAC8 is on the minus strand). VCF-style: chrX-72495239-T-C. GRCh37 (hg19) VCF-style: chrX-71715089-T-C.
Other names: c.194A>G, p.Asn65Ser (NM_001410728.1, NM_001166418.2, NM_001166448.2); c.467A>G, p.Asn156Ser (NM_001410729.1, NM_001410730.1, NM_001166419.2 and 2 more transcripts); short protein forms N156S, N65S.
Identifiers: ClinVar variation 1742375 (VCV001742375.5), dbSNP rs2521213669, ClinGen allele CA413640237.

ClinVar aggregate classification (germline): Pathogenic. Review status: criteria provided, multiple submitters, no conflicts (2 of 4 stars). 2 submissions from 2 submitters: Pathogenic (2). Last evaluated 2025-06-23.

Conditions:
Cornelia de Lange syndrome 5 (CDLS5). Also called: HDAC8-Related Cornelia de Lange Syndrome. Identifiers: Orphanet 199, MedGen C3550903, MONDO:0010471, OMIM 300882.
Inborn genetic diseases. Identifiers: MedGen C0950123, MeSH D030342.

Submissions (2):

Labcorp Genetics (formerly Invitae), Labcorp
Classification: Pathogenic for Cornelia de Lange syndrome 5. Last evaluated: 2025-06-23. Review status: criteria provided, single submitter. Criteria: Invitae Variant Classification Sherloc (09022015). Collection method: clinical testing. Allele origin: germline.
Comment: This sequence change replaces asparagine, which is neutral and polar, with serine, which is neutral and polar, at codon 156 of the HDAC8 protein (p.Asn156Ser). This variant is not present in population databases (gnomAD no frequency). This missense change has been observed in individual(s) with HDAC8-related conditions (internal data). In at least one individual the variant was observed to be de novo. ClinVar contains an entry for this variant (Variation ID: 1742375). Invitae Evidence Modeling of protein sequence and biophysical properties (such as structural, functional, and spatial information, amino acid conservation, physicochemical variation, residue mobility, and thermodynamic stability) has been performed for this missense variant. However, the output from this modeling did not meet the statistical confidence thresholds required to predict the impact of this variant on HDAC8 protein function. Algorithms developed to predict the effect of sequence changes on RNA splicing suggest that this variant may disrupt the consensus splice site. This variant disrupts the p.Asn156 amino acid residue in HDAC8. Other variant(s) that disrupt this residue have been determined to be pathogenic (PMID: 29758565). This suggests that this residue is clinically significant, and that variants that disrupt this residue are likely to be disease-causing. For these reasons, this variant has been classified as Pathogenic.

Ambry Genetics
Classification: Pathogenic for Inborn genetic diseases. Last evaluated: 2025-03-28. Review status: criteria provided, single submitter. Criteria: Ambry Variant Classification Scheme 2023. Collection method: clinical testing. Allele origin: germline.
Comment: The c.467A>G (p.N156S) alteration is located in exon 5 (coding exon 5) of the HDAC8 gene. This alteration results from an A to G substitution at nucleotide position 467, causing the asparagine (N) at amino acid position 156 to be replaced by a serine (S). Another variant at the same codon, c.468T>G (p.N156K), has been identified in the de novo state in an individual with features consistent with HDAC8-related Cornelia de Lange syndrome (Parenti, 2016). This nucleotide and amino acid position is highly conserved in available vertebrate species. This missense alteration is located in a region that has a low rate of benign missense variation (Lek, 2016; Firth, 2009). Internal structural analysis indicates this alteration to be structurally disruptive (Decroos, 2015; Ambry internal data). The in silico prediction for this amino acid alteration is inconclusive. In silico splice site analysis predicts that this nucleotide alteration will result in the creation or strengthening of a novel splice acceptor site. Based on the available evidence, this alteration is classified as pathogenic.

Literature cited by the submitters: PubMed 29758565 (cited by Labcorp Genetics (formerly Invitae), Labcorp); PubMed 26463496 (cited by Ambry Genetics); PubMed 26671848 (cited by Ambry Genetics).